The following is an entry in ClinVar:

ClinVar aggregate classification (germline): Uncertain significance (1 of 4 stars; one submission).

Conditions:
Familial adenomatous polyposis 1 (FAP1). Also called: FAMILIAL ADENOMATOUS POLYPOSIS 1, ATTENUATED; POLYPOSIS, ADENOMATOUS INTESTINAL. Identifiers: MedGen C2713442, MONDO:0021056, OMIM 175100. Disease mechanism: loss of function.

gnomAD v4.1: 1 of 1,614,066 alleles (0.000062%); highest among the groups gnomAD compares: Non-Finnish European, 0.000085%; no homozygotes.

Submission:

Labcorp Genetics (formerly Invitae), Labcorp
Classification: Uncertain significance for Familial adenomatous polyposis 1. Last evaluated: 2024-07-23. Review status: criteria provided, single submitter. Criteria: Invitae Variant Classification Sherloc (09022015). Collection method: clinical testing. Allele origin: germline.
Comment: This sequence change replaces threonine, which is neutral and polar, with alanine, which is neutral and non-polar, at codon 1448 of the APC protein (p.Thr1448Ala). This variant is present in population databases (no rsID available, gnomAD 0.0009%). This variant has not been reported in the literature in individuals affected with APC-related conditions. Advanced modeling of protein sequence and biophysical properties (such as structural, functional, and spatial information, amino acid conservation, physicochemical variation, residue mobility, and thermodynamic stability) performed at Invitae indicates that this missense variant is not expected to disrupt APC protein function with a negative predictive value of 95%. In summary, the available evidence is currently insufficient to determine the role of this variant in disease. Therefore, it has been classified as a Variant of Uncertain Significance.

NM_000038.6(APC):c.4342A>G (p.Thr1448Ala)

Gene: APC (APC regulator of Wnt signaling pathway; plus strand). Cytogenetic location: 5q22.2.
Variant type: single nucleotide variant.
Coding change: c.4342A>G on transcript NM_000038.6 (MANE Select); coding-DNA position 4342, A replaced by G.
Protein change: p.Thr1448Ala; replaces threonine 1448 with alanine.
Molecular consequence: missense variant. On other transcripts: non-coding transcript variant (2).
Genome position (GRCh38, 1-based): chr5:112,839,936, A>G. VCF-style: chr5-112839936-A-G. GRCh37 (hg19) VCF-style: chr5-112175633-A-G.
Other names: c.4342A>G, p.Thr1448Ala (NM_001127510.3, NM_001354895.2, NM_001407450.1); c.4288A>G, p.Thr1430Ala (NM_001127511.3); c.4396A>G, p.Thr1466Ala (NM_001354896.2, NM_001407447.1, NM_001407448.1 and 1 more transcripts); c.4372A>G, p.Thr1458Ala (NM_001354897.2); c.4267A>G, p.Thr1423Ala (NM_001354898.2); c.4258A>G, p.Thr1420Ala (NM_001354899.2); c.4219A>G, p.Thr1407Ala (NM_001354900.2); c.4165A>G, p.Thr1389Ala (NM_001354901.2, NM_001407453.1); and 11 more; short protein forms T1288A, T1322A, T1347A, T1407A, T1423A, T1441A, T1064A, T1165A.
Identifiers: ClinVar variation 3635461 (VCV003635461.2).